The following is an entry in ClinVar:

NM_000465.4(BARD1):c.1148T>A (p.Met383Lys)

Gene: BARD1 (BRCA1 associated RING domain 1; minus strand). Cytogenetic location: 2q35.
Variant type: single nucleotide variant.
Coding change: c.1148T>A on transcript NM_000465.4 (MANE Select); coding-DNA position 1148, T replaced by A.
Protein change: p.Met383Lys; replaces methionine 383 with lysine.
Molecular consequence: missense variant. On other transcripts: non-coding transcript variant (2), intron variant (3).
Genome position (GRCh38, 1-based): chr2:214,780,726, A>T on the plus strand (T>A on the coding strand, the complement: BARD1 is on the minus strand). VCF-style: chr2-214780726-A-T. GRCh37 (hg19) VCF-style: chr2-215645450-A-T.
Other names: c.1091T>A, p.Met364Lys (NM_001282543.2); c.159-28171T>A (NM_001282548.2); c.215+16335T>A (NM_001282545.2); c.364+11571T>A (NM_001282549.2); short protein forms M383K, M364K.
Identifiers: ClinVar variation 185039 (VCV000185039.34), dbSNP rs763596413, ClinGen allele CA190846.

ClinVar aggregate classification (germline): Conflicting classifications of pathogenicity. Review status: criteria provided, conflicting classifications (1 of 4 stars). 10 submissions from 10 submitters: Uncertain significance (8); Likely benign (1). 1 of the submissions does not count toward it. Last evaluated 2026-01-02.

Conditions:
Familial ovarian cancer. Identifiers: MedGen C5679802, MONDO:0016248.
Hereditary cancer-predisposing syndrome. Also called: Tumor predisposition; Neoplastic Syndromes, Hereditary; Hereditary neoplastic syndrome; Hereditary Cancer Syndrome. Identifiers: Orphanet 140162, MedGen C0027672, MeSH D009386, MONDO:0015356.
Familial cancer of breast. Also called: hereditary breast carcinoma; BREAST CANCER, FAMILIAL; Hereditary breast cancer. Identifiers: Orphanet 227535, MedGen C0346153, MONDO:0016419, OMIM 114480. Disease mechanism: loss of function.

Allele frequency attached by ClinVar (database versions not stated): TOPMed 0.00001; gnomAD 0.00002 and 0.00003.

Submissions (10):

Labcorp Genetics (formerly Invitae), Labcorp
Classification: Uncertain significance for Familial cancer of breast. Last evaluated: 2026-01-02. Review status: criteria provided, single submitter. Criteria: Invitae Variant Classification Sherloc (09022015). Collection method: clinical testing. Allele origin: germline.
Comment: This sequence change replaces methionine, which is neutral and non-polar, with lysine, which is basic and polar, at codon 383 of the BARD1 protein (p.Met383Lys). This variant is present in population databases (rs763596413, gnomAD 0.008%). This missense change has been observed in individual(s) with breast cancer (PMID: 32885271, 32959997, 35402282). ClinVar contains an entry for this variant (Variation ID: 185039). An algorithm developed to predict the effect of missense changes on protein structure and function (PolyPhen-2) suggests that this variant is likely to be tolerated. In summary, the available evidence is currently insufficient to determine the role of this variant in disease. Therefore, it has been classified as a Variant of Uncertain Significance.

KCCC/NGS Laboratory, Kuwait Cancer Control Center
Classification: Uncertain significance for Familial cancer of breast. Last evaluated: 2024-10-08. Review status: criteria provided, single submitter. Criteria: ACMG Guidelines, 2015. Collection method: clinical testing. Allele origin: germline. Inheritance: Autosomal dominant inheritance. Affected: yes. Observed: 1 heterozygote.
Comment: This missense variant replaces methionine with lysine at codon 383 of the BARD1 protein. This variant has been identified in 2/282650 chromosomes in the general population by the Genome Aggregation Database (gnomAD). This variant has been reported in individuals affected with breast cancer (PMID: 32959997, 35402282).In silico analysis supports that this missense variant does not alter protein structure/function.Functional studies have not been reported for this variant.The available evidence is insufficient to determine the role of this variant in disease conclusively. Therefore, this variant is classified as a Variant of Uncertain Significance.

Quest Diagnostics Nichols Institute San Juan Capistrano
Classification: Uncertain significance. Last evaluated: 2024-08-02. Review status: criteria provided, single submitter. Criteria: Quest Diagnostics criteria. Collection method: clinical testing. Allele origin: unknown.
Comment: The BARD1 c.1148T>A (p.Met383Lys) variant has been reported in the published literature in individuals with breast cancer (PMIDs: 31871109 (2019) and 32959997 (2020)), an individual with ovarian cancer (PMID: 34326862 (2021)), as well as in an individual with both ovarian and pancreatic cancers (PMID: 32885271 (2021)). The frequency of this variant in the general population, 0.0000071 (2/282650 chromosomes (Genome Aggregation Database)), is uninformative in the assessment of its pathogenicity. Analysis of this variant using bioinformatics tools for the prediction of the effect of amino acid changes on protein structure and function yielded predictions that this variant is benign. Based on the available information, we are unable to determine the clinical significance of this variant.

Color Diagnostics, LLC DBA Color Health
Classification: Uncertain significance for Hereditary cancer-predisposing syndrome. Last evaluated: 2024-07-30. Review status: criteria provided, single submitter. Criteria: ACMG Guidelines, 2015. Collection method: clinical testing. Allele origin: germline.
Comment: This missense variant replaces methionine with lysine at codon 383 of the BARD1 protein. Computational prediction suggests that this variant may not impact protein structure and function. To our knowledge, functional studies have not been reported for this variant. This variant has been reported in individuals affected with breast cancer (PMID: 32959997, 35402282). This variant has been identified in 2/282650 chromosomes in the general population by the Genome Aggregation Database (gnomAD). The available evidence is insufficient to determine the role of this variant in disease conclusively. Therefore, this variant is classified as a Variant of Uncertain Significance.

Mayo Clinic Laboratories, Mayo Clinic
Classification: Uncertain significance. Last evaluated: 2024-05-02. Review status: criteria provided, single submitter. Criteria: ACMG Guidelines, 2015. Collection method: clinical testing. Allele origin: germline. Observed: 1 variant allele.
Comment: BP4, PM2

Ambry Genetics
Classification: Likely benign for Hereditary cancer-predisposing syndrome. Last evaluated: 2024-01-11. Review status: criteria provided, single submitter. Criteria: Ambry Variant Classification Scheme 2023. Collection method: clinical testing. Allele origin: germline.

Blueprint Genetics
Classification: Uncertain significance. Last evaluated: 2023-11-01. Review status: criteria provided, single submitter. Criteria: ACMG Guidelines, 2015. Collection method: clinical testing. Allele origin: germline.

GeneDx
Classification: Uncertain significance. Last evaluated: 2022-07-21. Review status: criteria provided, single submitter. Criteria: GeneDx Variant Classification Process June 2021. Collection method: clinical testing. Allele origin: germline. Affected: yes.
Comment: Not observed at significant frequency in large population cohorts (gnomAD); In silico analysis supports that this missense variant does not alter protein structure/function; Observed in individuals with breast cancer (Adedokun et al., 2020; Uyisenga et al., 2020); This variant is associated with the following publications: (PMID: 32959997, 31871109)

Fulgent Genetics
Classification: Uncertain significance for Familial cancer of breast. Last evaluated: 2021-10-31. Review status: criteria provided, single submitter. Criteria: ACMG Guidelines, 2015. Collection method: clinical testing. Allele origin: unknown.

Department of Pathology and Laboratory Medicine, Sinai Health System
Classification: Uncertain significance for Familial ovarian cancer. Review status: no assertion criteria provided. Collection method: clinical testing. Allele origin: unknown. Affected: yes. Study: The Canadian Open Genetics Repository (COGR). Not counted in ClinVar's aggregate classification.
Comment: The BARD1 p.Met383Lys variant was not identified in the literature nor was it identified in the Cosmic, MutDB, or Zhejiang University databases. The variant was identified in dbSNP (ID: rs763596413) as "With Uncertain significance allele" and ClinVar (classified as uncertain significance by Ambry Genetics, Invitae, Color Genomics, and one other clinical laboratory). The variant was identified in control databases in 2 of 276950 chromosomes at a frequency of 0.000007 (Genome Aggregation Database Feb 27, 2017), specifically in the African population in 2 of 24030 chromosomes (freq: 0.000083), while the variant was not observed in the Other, Latino, European, Ashkenazi Jewish, East Asian, Finnish, or South Asian populations. The p.Met383 residue is not conserved in mammals and four out of five computational analyses (PolyPhen-2, SIFT, AlignGVGD, BLOSUM, MutationTaster) do not suggest a high likelihood of impact to the protein; however, this information is not predictive enough to rule out pathogenicity. The variant occurs outside of the splicing consensus sequence and in silico or computational prediction software programs (SpliceSiteFinder, MaxEntScan, NNSPLICE, GeneSplicer) do not predict a difference in splicing. In summary, based on the above information, the clinical significance of this variant cannot be determined with certainty at this time. This variant is classified as a variant of uncertain significance.

Literature cited by the submitters: PubMed 32885271 (cited by 4 submitters); PubMed 32959997 (cited by 5 submitters); PubMed 35402282 (cited by 4 submitters); PubMed 31871109 (cited by 3 submitters); PubMed 34326862 (cited by Quest Diagnostics Nichols Institute San Juan Capistrano and Mayo Clinic Laboratories, Mayo Clinic).